The following is an entry in ClinVar:

ClinVar aggregate classification (germline): Likely benign. Review status: criteria provided, multiple submitters, no conflicts (2 of 4 stars). 3 submissions from 3 submitters: Likely benign (3). Last evaluated 2024-04-16.

Conditions:
Retinitis pigmentosa (RP). Identifiers: Orphanet 791, MedGen C0035334, MeSH D012174, MONDO:0019200, OMIM 268000. Inheritance: Autosomal dominant, autosomal recessive and X linked inheritance.

Allele frequency attached by ClinVar (database versions not stated): gnomAD exomes 0.00012; ExAC 0.00015; 1000 Genomes Project 0.00060; 1000 Genomes Project 30x 0.00078.

Submissions (3):

Blueprint Genetics
Classification: Likely benign. Last evaluated: 2024-04-16. Review status: criteria provided, single submitter. Criteria: ACMG Guidelines, 2015. Collection method: clinical testing. Allele origin: germline.

Labcorp Genetics (formerly Invitae), Labcorp
Classification: Likely benign. Last evaluated: 2023-07-07. Review status: criteria provided, single submitter. Criteria: Invitae Variant Classification Sherloc (09022015). Collection method: clinical testing. Allele origin: germline.

Illumina Laboratory Services, Illumina
Classification: Likely benign for Retinitis pigmentosa. Last evaluated: 2018-01-12. Review status: criteria provided, single submitter. Criteria: ICSL Variant Classification Criteria 13 December 2019. Collection method: clinical testing. Allele origin: germline.
Comment: This variant was observed in the ICSL laboratory as part of a predisposition screen in an ostensibly healthy population. It had not been previously curated by ICSL or reported in the Human Gene Mutation Database (HGMD: prior to June 1st, 2018), and was therefore a candidate for classification through an automated scoring system. Utilizing variant allele frequency, disease prevalence and penetrance estimates, and inheritance mode, an automated score was calculated to assess if this variant is too frequent to cause the disease. Based on the score and internal cut-off values, a variant classified as likely benign is not then subjected to further curation. The score for this variant resulted in a classification of likely benign for this disease.

NM_000717.5(CA4):c.235C>A (p.Gln79Lys)

Gene: CA4 (carbonic anhydrase 4; plus strand). Cytogenetic location: 17q23.1.
Variant type: single nucleotide variant.
Coding change: c.235C>A on transcript NM_000717.5 (MANE Select); coding-DNA position 235, C replaced by A.
Protein change: p.Gln79Lys; replaces glutamine 79 with lysine.
Molecular consequence: missense variant. On other transcripts: non-coding transcript variant (1).
Genome position (GRCh38, 1-based): chr17:60,156,682, C>A. VCF-style: chr17-60156682-C-A. GRCh37 (hg19) VCF-style: chr17-58234043-C-A.
Other names: short protein forms Q79K.
Identifiers: ClinVar variation 324228 (VCV000324228.10), dbSNP rs531909330, ClinGen allele CA8685269.